The following is an entry in ClinVar:

ClinVar aggregate classification (germline): Conflicting classifications of pathogenicity. Review status: criteria provided, conflicting classifications (1 of 4 stars). 13 submissions from 13 submitters: Uncertain significance (6); Benign (1); Likely benign (2). 4 of the submissions do not count toward it. Last evaluated 2026-08-01.

Conditions:
UNC13D-related disorder. Also called: UNC13D-related condition.
Autoinflammatory syndrome. Identifiers: Orphanet 93665, MedGen C3890737, MONDO:0019751.
Familial hemophagocytic lymphohistiocytosis 3 (FHL3). Also called: UNC13D-Related Familial Hemophagocytic Lymphohistiocytosis (UNC13D-fHLH). Identifiers: Orphanet 540, MedGen C1837174, MONDO:0012146, OMIM 608898.

Allele frequency attached by ClinVar (database versions not stated): 1000 Genomes Project 30x 0.00031; 1000 Genomes Project 0.00040; ExAC 0.00096; gnomAD exomes 0.00096 and 0.00144; TOPMed 0.00097; gnomAD 0.00099 and 0.00105; ESP Exome Variant Server 0.00123.

Submissions (13):

CeGaT Center for Human Genetics Tuebingen
Classification: Likely benign. Last evaluated: 2026-08-01. Review status: criteria provided, single submitter. Criteria: CeGaT Center For Human Genetics Tuebingen Variant Classification Criteria Version 2. Collection method: clinical testing. Allele origin: germline. Affected: yes. Observed: 4 variant alleles.
Comment: UNC13D: BP4

Labcorp Genetics (formerly Invitae), Labcorp
Classification: Benign for Familial hemophagocytic lymphohistiocytosis 3. Last evaluated: 2026-02-01. Review status: criteria provided, single submitter. Criteria: Invitae Variant Classification Sherloc (09022015). Collection method: clinical testing. Allele origin: germline.

Blueprint Genetics
Classification: Uncertain significance. Last evaluated: 2024-11-01. Review status: criteria provided, single submitter. Criteria: ACMG Guidelines, 2015. Collection method: clinical testing. Allele origin: germline.

Genetic Services Laboratory, University of Chicago
Classification: Uncertain significance. Last evaluated: 2021-08-11. Review status: criteria provided, single submitter. Criteria: ACMG Guidelines, 2015. Collection method: clinical testing. Allele origin: germline. Affected: no.
Comment: The sequence change, c.2983G>C, in exon 31 results in an amino acid change, p.Ala995Pro. This sequence change has been previously described in one individual with autoimmune lymphoproliferative syndrome (PMID: 23840885), one individual with extreme hyperferritinemia (PMID: 29977033), and one individual with juvenile idiopathic arthritis (PMID: 33408077). This sequence change has been described in the gnomAD database with a low frequency of 0.27% in Ashkenazi Jewish subpopulation (dbSNP rs138760432). The p.Ala995Pro change affects a poorly conserved amino acid residue located in a domain of the UNC13D protein that is known to be functional. The p.Ala995Pro substitution appears to be benign using several in-silico pathogenicity prediction tools (SIFT, PolyPhen2, Align GVGD, REVEL). Functional studies show p.Ala995Pro is a loss-of-function variant (PMID: 23840885). Due to the lack of sufficient evidence, the clinical significance of the p.Ala995Pro change remains unknown at this time.

GeneDx
Classification: Uncertain significance. Last evaluated: 2020-03-23. Review status: criteria provided, single submitter. Criteria: GeneDx Variant Classification Process June 2021. Collection method: clinical testing. Allele origin: germline. Affected: yes.
Comment: In silico analysis supports that this missense variant does not alter protein structure/function; Has been previously reported in cis with I848L in unrelated patients who had features of macrophage activation syndrome and autoimmune lymphoproliferative syndrome (Zhang et al., 2008; Arico et al., 2013; Kernan et al., 2018).; Transfection study of the I848L and A995P variants showed that these variants, both alone and in combination, decreased granule exocytosis when compared to wild type (Arico et al., 2013); This variant is associated with the following publications: (PMID: 33408077, 29977033, 18759271, 23840885, 29864493)

Revvity Omics, Revvity
Classification: Uncertain significance for Familial hemophagocytic lymphohistiocytosis 3. Last evaluated: 2020-02-28. Review status: criteria provided, single submitter. Criteria: ACMG Guidelines, 2015. Collection method: clinical testing. Allele origin: germline.

Mendelics
Classification: Likely benign. Last evaluated: 2019-05-28. Review status: criteria provided, single submitter. Criteria: Mendelics Assertion Criteria 2017. Collection method: clinical testing. Allele origin: unknown.

Genome Diagnostics Laboratory, The Hospital for Sick Children
Classification: Uncertain significance for Autoinflammatory syndrome. Last evaluated: 2017-10-02. Review status: criteria provided, single submitter. Criteria: ACMG Guidelines, 2015. Collection method: clinical testing. Allele origin: germline. Affected: yes.

Illumina Laboratory Services, Illumina
Classification: Uncertain significance for Familial hemophagocytic lymphohistiocytosis 3. Last evaluated: 2017-04-27. Review status: criteria provided, single submitter. Criteria: ICSL Variant Classification Criteria 13 December 2019. Collection method: clinical testing. Allele origin: germline.
Comment: This variant was observed as part of a predisposition screen in an ostensibly healthy population. A literature search was performed for the gene, cDNA change, and amino acid change (where applicable). Publications were found based on this search. However, the evidence from the literature, in combination with allele frequency data from public databases where available, was not sufficient to rule this variant in or out of causing disease. Therefore, this variant is classified as a variant of unknown significance.

PreventionGenetics, part of Exact Sciences
Classification: Uncertain significance for UNC13D-related condition. Last evaluated: 2024-07-22. Review status: no assertion criteria provided. Collection method: clinical testing. Allele origin: germline. Not counted in ClinVar's aggregate classification.
Comment: The UNC13D c.2983G>C variant is predicted to result in the amino acid substitution p.Ala995Pro. This variant was reported in an individual with autoimmune lymphoproliferative syndrome who had inherited it as part of a haplotype that also contained another variant p.Ile848Leu from the unaffected mother (Aricò et al. 2013. PubMed ID: 23840885). Both variants have also been reported in an individual with septic shock and macrophage activation syndrome (Kernan et al. 2018. PubMed ID: 29977033) as well as in two individuals with polyarticular juvenile idiopathic arthritis (Meng et al. 2021. PubMed ID: 33408077). In vitro studies in a mastocytoma cell line showed that both variants, when expressed together as well as separately, resulted in defective secretory granule exocytosis; however, it is unclear how this finding relates to cells of the immune system in vivo (Aricò et al. 2013. PubMed ID: 23840885). This variant is reported in 0.27% of alleles in individuals of Ashkenazi Jewish descent in gnomAD. Although we suspect that this variant may be benign, at this time its clinical significance is uncertain due to the absence of conclusive functional and genetic evidence.

Clinical Genetics DNA and cytogenetics Diagnostics Lab, Erasmus MC, Erasmus Medical Center
Classification: Likely benign. Review status: no assertion criteria provided. Collection method: clinical testing. Allele origin: germline. Affected: yes. Study: VKGL Data-share Consensus. Not counted in ClinVar's aggregate classification.

Diagnostic Laboratory, Department of Genetics, University Medical Center Groningen
Classification: Likely benign. Review status: no assertion criteria provided. Collection method: clinical testing. Allele origin: germline. Affected: yes. Study: VKGL Data-share Consensus. Not counted in ClinVar's aggregate classification.

Genome Diagnostics Laboratory, University Medical Center Utrecht
Classification: Likely benign. Review status: no assertion criteria provided. Collection method: clinical testing. Allele origin: germline. Affected: yes. Study: VKGL Data-share Consensus. Not counted in ClinVar's aggregate classification.

Literature cited by the submitters: PubMed 18759271 (cited by Illumina Laboratory Services, Illumina); PubMed 23840885 (cited by Illumina Laboratory Services, Illumina).

NM_199242.3(UNC13D):c.2983G>C (p.Ala995Pro)

Gene: UNC13D (unc-13 homolog D; minus strand). Cytogenetic location: 17q25.1.
Variant type: single nucleotide variant.
Coding change: c.2983G>C on transcript NM_199242.3 (MANE Select); coding-DNA position 2983, G replaced by C.
Protein change: p.Ala995Pro; replaces alanine 995 with proline.
Molecular consequence: missense variant.
Genome position (GRCh38, 1-based): chr17:75,828,955, C>G on the plus strand (G>C on the coding strand, the complement: UNC13D is on the minus strand). VCF-style: chr17-75828955-C-G. GRCh37 (hg19) VCF-style: chr17-73825036-C-G.
Other names: short protein forms A995P.
Identifiers: ClinVar variation 464457 (VCV000464457.70), dbSNP rs138760432, ClinGen allele CA8772316.